The following is an entry in ClinVar:

ClinVar aggregate classification (germline): Conflicting classifications of pathogenicity. Review status: criteria provided, conflicting classifications (1 of 4 stars). 2 submissions from 2 submitters: Uncertain significance (1); Benign (1). Last evaluated 2026-04-10.

Allele frequency attached by ClinVar (database versions not stated): ExAC 0.00001; TOPMed 0.00001.
gnomAD v4.1: 7 of 1,613,974 alleles (0.00043%); highest among the groups gnomAD compares: East Asian, 0.0022%; no homozygotes.

Submissions (2):

Women's Health and Genetics/Laboratory Corporation of America, LabCorp
Classification: Uncertain significance. Last evaluated: 2026-04-10. Review status: criteria provided, single submitter. Criteria: LabCorp Variant Classification Summary - May 2015. Collection method: clinical testing. Allele origin: germline.
Comment: Variant summary: TRRAP c.7783G>A (p.Ala2595Thr) results in a non-conservative amino acid change in the encoded protein sequence. Algorithms developed to predict the effect of missense changes on protein structure and function are either unavailable or do not agree on the potential impact of this missense change. The variant allele was found at a frequency of 4e-06 in 251182 control chromosomes. The available data on variant occurrences in the general population are insufficient to allow any conclusion about variant significance. To our knowledge, no occurrence of c.7783G>A in individuals affected with TRRAP-related conditions and no experimental evidence demonstrating its impact on protein function have been reported. ClinVar contains an entry for this variant (Variation ID: 3011482). Based on the evidence outlined above, the variant was classified as uncertain significance.

Labcorp Genetics (formerly Invitae), Labcorp
Classification: Benign. Last evaluated: 2023-08-17. Review status: criteria provided, single submitter. Criteria: Invitae Variant Classification Sherloc (09022015). Collection method: clinical testing. Allele origin: germline.

NM_001375524.1(TRRAP):c.7858G>A (p.Ala2620Thr)

Gene: TRRAP (transformation/transcription domain associated protein; plus strand). Cytogenetic location: 7q22.1.
Variant type: single nucleotide variant.
Coding change: c.7858G>A on transcript NM_001375524.1 (MANE Select); coding-DNA position 7858, G replaced by A.
Protein change: p.Ala2620Thr; replaces alanine 2620 with threonine.
Molecular consequence: missense variant.
Genome position (GRCh38, 1-based): chr7:98,976,167, G>A. VCF-style: chr7-98976167-G-A. GRCh37 (hg19) VCF-style: chr7-98573790-G-A.
Other names: c.7837G>A, p.Ala2613Thr (NM_001244580.2); c.7783G>A, p.Ala2595Thr (NM_003496.4); short protein forms A2613T, A2595T, A2620T.
Identifiers: ClinVar variation 3011482 (VCV003011482.4), dbSNP rs779584080, ClinGen allele CA4361265.